The following is an entry in ClinVar:

ClinVar aggregate classification (germline): Uncertain significance (1 of 4 stars; one submission).

Submission:

CeGaT Center for Human Genetics Tuebingen
Classification: Uncertain significance. Last evaluated: 2026-07-01. Review status: criteria provided, single submitter. Criteria: CeGaT Center For Human Genetics Tuebingen Variant Classification Criteria Version 2. Collection method: clinical testing. Allele origin: germline. Affected: yes. Observed: 1 variant allele.
Comment: TRIP12: PM2, PP2

NM_001348323.3(TRIP12):c.6089C>T (p.Ser2030Phe)

Gene: TRIP12 (thyroid hormone receptor interactor 12; minus strand). Cytogenetic location: 2q36.3.
Variant type: single nucleotide variant.
Coding change: c.6089C>T on transcript NM_001348323.3 (MANE Select); coding-DNA position 6089, C replaced by T.
Protein change: p.Ser2030Phe; replaces serine 2030 with phenylalanine.
Molecular consequence: missense variant.
Genome position (GRCh38, 1-based): chr2:229,767,669, G>A on the plus strand (C>T on the coding strand, the complement: TRIP12 is on the minus strand). VCF-style: chr2-229767669-G-A. GRCh37 (hg19) VCF-style: chr2-230632385-G-A.
Other names: c.6008C>T, p.Ser2003Phe (NM_001284214.2, NM_001348315.2); c.5963C>T, p.Ser1988Phe (NM_001284215.2, NM_001348316.2); c.5054C>T, p.Ser1685Phe (NM_001284216.2); c.5948C>T, p.Ser1983Phe (NM_001348317.1, NM_001348318.2); c.6074C>T, p.Ser2025Phe (NM_001348319.1, NM_001348320.2); c.6077C>T, p.Ser2026Phe (NM_001348321.1); c.6089C>T, p.Ser2030Phe (NM_001348322.1, NM_001348324.2, NM_001348325.2 and 2 more transcripts); c.6092C>T, p.Ser2031Phe (NM_001348328.1, NM_001348329.2, NM_001348330.2); and 4 more; short protein forms S1685F, S1955F, S1956F, S1983F, S1988F, S1996F, S2003F, S2004F.
Identifiers: ClinVar variation 5040036 (VCV005040036.1).